The following is an entry in ClinVar:

ClinVar aggregate classification (germline): Uncertain significance (1 of 4 stars; one submission).

gnomAD v4.1: 6 of 1,614,166 alleles (0.00037%); highest among the groups gnomAD compares: African/African-American, 0.0013%; no homozygotes.

Submission:

Labcorp Genetics (formerly Invitae), Labcorp
Classification: Uncertain significance. Last evaluated: 2024-06-13. Review status: criteria provided, single submitter. Criteria: Invitae Variant Classification Sherloc (09022015). Collection method: clinical testing. Allele origin: germline.
Comment: This sequence change replaces isoleucine, which is neutral and non-polar, with threonine, which is neutral and polar, at codon 575 of the FLNB protein (p.Ile575Thr). This variant is present in population databases (no rsID available, gnomAD 0.003%). This variant has not been reported in the literature in individuals affected with FLNB-related conditions. Advanced modeling of protein sequence and biophysical properties (such as structural, functional, and spatial information, amino acid conservation, physicochemical variation, residue mobility, and thermodynamic stability) performed at Invitae indicates that this missense variant is not expected to disrupt FLNB protein function with a negative predictive value of 95%. In summary, the available evidence is currently insufficient to determine the role of this variant in disease. Therefore, it has been classified as a Variant of Uncertain Significance.

NM_001457.4(FLNB):c.1724T>C (p.Ile575Thr)

Gene: FLNB (filamin B; plus strand). Cytogenetic location: 3p14.3.
Variant type: single nucleotide variant.
Coding change: c.1724T>C on transcript NM_001457.4 (MANE Select); coding-DNA position 1724, T replaced by C.
Protein change: p.Ile575Thr; replaces isoleucine 575 with threonine.
Molecular consequence: missense variant.
Genome position (GRCh38, 1-based): chr3:58,105,193, T>C. VCF-style: chr3-58105193-T-C. GRCh37 (hg19) VCF-style: chr3-58090920-T-C.
Other names: c.1724T>C, p.Ile575Thr (NM_001164317.2, NM_001164318.2, NM_001164319.2); short protein forms I575T.
Identifiers: ClinVar variation 3619558 (VCV003619558.2).